The following is an entry in ClinVar:

NM_006516.4(SLC2A1):c.495C>T (p.Val165=)

Gene: SLC2A1 (solute carrier family 2 member 1; minus strand). Cytogenetic location: 1p34.2.
Variant type: single nucleotide variant.
Coding change: c.495C>T on transcript NM_006516.4 (MANE Select); coding-DNA position 495, C replaced by T.
Protein change: p.Val165=; no amino-acid change (valine 165 retained).
Molecular consequence: synonymous variant.
Genome position (GRCh38, 1-based): chr1:42,930,647, G>A on the plus strand (C>T on the coding strand, the complement: SLC2A1 is on the minus strand). VCF-style: chr1-42930647-G-A. GRCh37 (hg19) VCF-style: chr1-43396318-G-A.
Identifiers: ClinVar variation 589975 (VCV000589975.16), dbSNP rs181115612, ClinGen allele CA803540.

ClinVar aggregate classification (germline): Likely benign. Review status: criteria provided, multiple submitters, no conflicts (2 of 4 stars). 8 submissions from 4 submitters: Likely benign (8). Last evaluated 2026-01-22.

Conditions:
Dystonia 9 (DYT9). Also called: CHOREOATHETOSIS, KINESIGENIC, WITH EPISODIC ATAXIA AND SPASTICITY. Identifiers: Orphanet 53583, MedGen C1832855, MONDO:0010983, OMIM 601042.
Epilepsy, idiopathic generalized, susceptibility to, 12 (EIG12). Identifiers: MedGen C3553859, MONDO:0013919, OMIM 614847.
Hereditary cryohydrocytosis with reduced stomatin. Also called: Stomatin-deficient cryohydrocytosis with neurologic defects; GLUT1 DEFICIENCY SYNDROME WITH PSEUDOHYPERKALEMIA AND HEMOLYSIS. Identifiers: Orphanet 168577, MedGen C1837206, MONDO:0012143, OMIM 608885.
SLC2A1-related disorder. Also called: SLC2A1-related condition; SLC2A1-related disorders.
Inborn genetic diseases. Identifiers: MedGen C0950123, MeSH D030342.
Encephalopathy due to GLUT1 deficiency. Also called: GLUT1 deficiency syndrome 1, infantile onset, severe; GLUCOSE TRANSPORT DEFECT, BLOOD-BRAIN BARRIER; Classic Glucose Transporter Type 1 Deficiency Syndrome; GLUT1 deficiency syndrome 1; De Vivo disease; Glucose transporter protein syndrome. Identifiers: Orphanet 71277, MedGen C4551966, MONDO:0011724, OMIM 606777.
GLUT1 deficiency syndrome 1, autosomal recessive. Identifiers: MedGen C3149117.
Childhood onset GLUT1 deficiency syndrome 2. Also called: PxMD-SLC2A1; Paroxysmal exercise-induced dystonia; Exertion-induced paroxysmal dyskinesia; PAROXYSMAL EXERCISE-INDUCED DYSKINESIA WITH OR WITHOUT EPILEPSY AND/OR HEMOLYTIC ANEMIA; PAROXYSMAL EXERTION-INDUCED DYSTONIA WITH OR WITHOUT EPILEPSY AND/OR HEMOLYTIC ANEMIA; PED WITH OR WITHOUT EPILEPSY AND/OR HEMOLYTIC ANEMIA. Identifiers: Orphanet 98811, MedGen C1842534, MONDO:0012805, OMIM 612126.

Allele frequency attached by ClinVar (database versions not stated): gnomAD 0.00002 and 0.00003; gnomAD exomes 0.00003 and 0.00006; TOPMed 0.00005; ExAC 0.00006; 1000 Genomes Project 30x 0.00031; 1000 Genomes Project 0.00040.
gnomAD v4.1: 43 of 1,612,282 alleles (0.0027%); highest among the groups gnomAD compares: South Asian, 0.017%; no homozygotes.

Submissions (8):

PreventionGenetics, part of Exact Sciences
Classification: Likely benign for SLC2A1-related condition. Last evaluated: 2026-01-22. Review status: criteria provided, single submitter. Criteria: ACMG Guidelines, 2015. Collection method: clinical testing. Allele origin: germline.
Comment: This variant is classified as likely benign based on ACMG/AMP sequence variant interpretation guidelines (Richards et al. 2015 PMID: 25741868, with internal and published modifications).

Labcorp Genetics (formerly Invitae), Labcorp
Classification: Likely benign for GLUT1 deficiency syndrome 1, autosomal recessive. Last evaluated: 2025-12-15. Review status: criteria provided, single submitter. Criteria: Invitae Variant Classification Sherloc (09022015). Collection method: clinical testing. Allele origin: germline.

Genome-Nilou Lab
Classification: Likely benign for Epilepsy, idiopathic generalized, susceptibility to, 12. Last evaluated: 2023-04-11. Review status: criteria provided, single submitter. Criteria: ACMG Guidelines, 2015. Collection method: clinical testing. Allele origin: germline. Affected: no.

Genome-Nilou Lab
Classification: Likely benign for Dystonia 9. Last evaluated: 2023-04-11. Review status: criteria provided, single submitter. Criteria: ACMG Guidelines, 2015. Collection method: clinical testing. Allele origin: germline. Affected: no.

Genome-Nilou Lab
Classification: Likely benign for Encephalopathy due to GLUT1 deficiency. Last evaluated: 2023-04-11. Review status: criteria provided, single submitter. Criteria: ACMG Guidelines, 2015. Collection method: clinical testing. Allele origin: germline. Affected: no.

Genome-Nilou Lab
Classification: Likely benign for Childhood onset GLUT1 deficiency syndrome 2. Last evaluated: 2023-04-11. Review status: criteria provided, single submitter. Criteria: ACMG Guidelines, 2015. Collection method: clinical testing. Allele origin: germline. Affected: no.

Genome-Nilou Lab
Classification: Likely benign for Hereditary cryohydrocytosis with reduced stomatin. Last evaluated: 2023-04-11. Review status: criteria provided, single submitter. Criteria: ACMG Guidelines, 2015. Collection method: clinical testing. Allele origin: germline. Affected: no.

Ambry Genetics
Classification: Likely benign for Inborn genetic diseases. Last evaluated: 2016-12-01. Review status: criteria provided, single submitter. Criteria: Ambry Variant Classification Scheme 2023. Collection method: clinical testing. Allele origin: germline.